The following is an entry in ClinVar:

ClinVar aggregate classification (germline): Uncertain significance (1 of 4 stars; one submission).

Conditions:
Inborn genetic diseases. Identifiers: MedGen C0950123, MeSH D030342.

Submission:

Ambry Genetics
Classification: Uncertain significance for Inborn genetic diseases. Last evaluated: 2025-01-31. Review status: criteria provided, single submitter. Criteria: Ambry Variant Classification Scheme 2023. Collection method: clinical testing. Allele origin: germline.
Comment: The p.D988V variant (also known as c.2963A>T), located in coding exon 13 of the ASXL1 gene, results from an A to T substitution at nucleotide position 2963. The aspartic acid at codon 988 is replaced by valine, an amino acid with highly dissimilar properties. This amino acid position is conserved. In addition, this alteration is predicted to be tolerated by in silico analysis. Based on the available evidence, the clinical significance of this variant remains unclear.

NM_015338.6(ASXL1):c.2963A>T (p.Asp988Val)

Gene: ASXL1 (ASXL transcriptional regulator 1; plus strand). Cytogenetic location: 20q11.21.
Variant type: single nucleotide variant.
Coding change: c.2963A>T on transcript NM_015338.6 (MANE Select); coding-DNA position 2963, A replaced by T.
Protein change: p.Asp988Val; replaces aspartic acid 988 with valine.
Molecular consequence: missense variant.
Genome position (GRCh38, 1-based): chr20:32,435,675, A>T. VCF-style: chr20-32435675-A-T. GRCh37 (hg19) VCF-style: chr20-31023478-A-T.
Other names: c.2780A>T, p.Asp927Val (NM_001363734.1); short protein forms D988V, D927V.
Identifiers: ClinVar variation 3792986 (VCV003792986.1).